The following is an entry in ClinVar:

ClinVar aggregate classification (germline): Benign/Likely benign (0 of 4 stars; one submission).

Submission:

ISCA Site 6
Classification: Benign/Likely benign. Review status: no assertion criteria provided. Collection method: clinical testing. Allele origin: unknown. Affected: yes. Observed: 9 variant alleles. Clinical features observed: Developmental delay AND/OR other significant developmental or morphological phenotypes.
Comment: Likely benign (1), Benign (8)

Copy number variation identified through the course of routine clinical cytogenomic testing in postnatal populations, with clinical assertions as classified by the original submitter. For data from the original published study, Kaminsky, et al. 2011 (PubMed 21844811), please see nstd101.

GRCh37/hg19 20q11.21(chr20:29614695-29647301)x3

Variant type: copy number gain.
Change: copy number 3 (three copies instead of two) of chr20:29,614,695-29,647,301 (32.6 kb, GRCh37 coordinates, 1-based), cytogenetic band 20q11.21.
Identifiers: ClinVar variation 395663 (VCV000395663.3).